The following is an entry in ClinVar:

ClinVar aggregate classification (germline): Uncertain significance (1 of 4 stars; one submission).

Conditions:
Kabuki syndrome. Also called: NIIKAWA-KUROKI SYNDROME; Kabuki make-up syndrome. Identifiers: Orphanet 2322, MedGen C0796004, MONDO:0016512.

Submission:

Labcorp Genetics (formerly Invitae), Labcorp
Classification: Uncertain significance for Kabuki syndrome. Last evaluated: 2025-04-20. Review status: criteria provided, single submitter. Criteria: Invitae Variant Classification Sherloc (09022015). Collection method: clinical testing. Allele origin: germline.
Comment: This sequence change replaces glycine, which is neutral and non-polar, with aspartic acid, which is acidic and polar, at codon 1384 of the KMT2D protein (p.Gly1384Asp). This variant is not present in population databases (gnomAD no frequency). This variant has not been reported in the literature in individuals affected with KMT2D-related conditions. Invitae Evidence Modeling of protein sequence and biophysical properties (such as structural, functional, and spatial information, amino acid conservation, physicochemical variation, residue mobility, and thermodynamic stability) indicates that this missense variant is not expected to disrupt KMT2D protein function with a negative predictive value of 95%. In summary, the available evidence is currently insufficient to determine the role of this variant in disease. Therefore, it has been classified as a Variant of Uncertain Significance.

NM_003482.4(KMT2D):c.4151G>A (p.Gly1384Asp)

Gene: KMT2D (lysine methyltransferase 2D; minus strand). Cytogenetic location: 12q13.12.
Variant type: single nucleotide variant.
Coding change: c.4151G>A on transcript NM_003482.4 (MANE Select); coding-DNA position 4151, G replaced by A.
Protein change: p.Gly1384Asp; replaces glycine 1384 with aspartic acid.
Molecular consequence: missense variant.
Genome position (GRCh38, 1-based): chr12:49,048,050, C>T on the plus strand (G>A on the coding strand, the complement: KMT2D is on the minus strand). VCF-style: chr12-49048050-C-T. GRCh37 (hg19) VCF-style: chr12-49441833-C-T.
Other names: short protein forms G1384D.
Identifiers: ClinVar variation 4801247 (VCV004801247.1).